The following is an entry in ClinVar:

ClinVar aggregate classification (germline): Conflicting classifications of pathogenicity. Review status: criteria provided, conflicting classifications (1 of 4 stars). 6 submissions from 5 submitters: Uncertain significance (5); Likely benign (1). Last evaluated 2025-12-16.

Conditions:
Inborn genetic diseases. Identifiers: MedGen C0950123, MeSH D030342.
Nephronophthisis. Also called: Juvenile Nephronophthisis. Identifiers: Orphanet 655, MedGen C0687120, MONDO:0019005, HP:0000090.
Nephronophthisis 4 (NPHP4). Also called: NEPHRONOPHTHISIS 4, JUVENILE. Identifiers: Orphanet 655, MedGen C1847013, MONDO:0011752, OMIM 606966.
Senior-Loken syndrome 4 (SLSN4). Identifiers: Orphanet 3156, MedGen C1846979, MONDO:0011756, OMIM 606996.

Allele frequency attached by ClinVar (database versions not stated): ExAC 0.00001; TOPMed 0.00002; gnomAD 0.00004 and 0.00003; gnomAD exomes 0.00002.
gnomAD v4.1: 80 of 1,612,038 alleles (0.005%); highest among the groups gnomAD compares: Non-Finnish European, 0.0064%; no homozygotes.

Submissions (6):

Ambry Genetics
Classification: Likely benign for Inborn genetic diseases. Last evaluated: 2025-12-16. Review status: criteria provided, single submitter. Criteria: Ambry Variant Classification Scheme 2023. Collection method: clinical testing. Allele origin: germline.

Fulgent Genetics
Classification: Uncertain significance for Nephronophthisis 4; Senior-Loken syndrome 4. Last evaluated: 2024-05-13. Review status: criteria provided, single submitter. Criteria: ACMG Guidelines, 2015. Collection method: clinical testing. Allele origin: germline.

Labcorp Genetics (formerly Invitae), Labcorp
Classification: Uncertain significance for Nephronophthisis. Last evaluated: 2023-07-07. Review status: criteria provided, single submitter. Criteria: Invitae Variant Classification Sherloc (09022015). Collection method: clinical testing. Allele origin: germline.
Comment: In summary, the available evidence is currently insufficient to determine the role of this variant in disease. Therefore, it has been classified as a Variant of Uncertain Significance. Advanced modeling of protein sequence and biophysical properties (such as structural, functional, and spatial information, amino acid conservation, physicochemical variation, residue mobility, and thermodynamic stability) performed at Invitae indicates that this missense variant is not expected to disrupt NPHP4 protein function. ClinVar contains an entry for this variant (Variation ID: 297797). This variant has not been reported in the literature in individuals affected with NPHP4-related conditions. This variant is present in population databases (rs760874774, gnomAD 0.006%). This sequence change replaces aspartic acid, which is acidic and polar, with histidine, which is basic and polar, at codon 1025 of the NPHP4 protein (p.Asp1025His).

Illumina Laboratory Services, Illumina
Classification: Uncertain significance for Senior-Loken syndrome 4. Last evaluated: 2018-01-13. Review status: criteria provided, single submitter. Criteria: ICSL Variant Classification Criteria 13 December 2019. Collection method: clinical testing. Allele origin: germline.

Illumina Laboratory Services, Illumina
Classification: Uncertain significance for Nephronophthisis 4. Last evaluated: 2018-01-13. Review status: criteria provided, single submitter. Criteria: ICSL Variant Classification Criteria 13 December 2019. Collection method: clinical testing. Allele origin: germline.

Eurofins Ntd Llc (ga)
Classification: Uncertain significance. Last evaluated: 2017-11-01. Review status: criteria provided, single submitter. Criteria: EGL Classification Definitions 2015. Collection method: clinical testing. Allele origin: germline. Observed: 1 variant allele, 1 heterozygote.

NM_015102.5(NPHP4):c.3073G>C (p.Asp1025His)

Gene: NPHP4 (nephrocystin 4; minus strand). Cytogenetic location: 1p36.31.
Variant type: single nucleotide variant.
Coding change: c.3073G>C on transcript NM_015102.5 (MANE Select); coding-DNA position 3073, G replaced by C.
Protein change: p.Asp1025His; replaces aspartic acid 1025 with histidine.
Molecular consequence: missense variant. On other transcripts: non-coding transcript variant (1).
Genome position (GRCh38, 1-based): chr1:5,874,629, C>G on the plus strand (G>C on the coding strand, the complement: NPHP4 is on the minus strand). VCF-style: chr1-5874629-C-G. GRCh37 (hg19) VCF-style: chr1-5934689-C-G.
Other names: c.1534G>C, p.Asp512His (NM_001291593.2); c.1537G>C, p.Asp513His (NM_001291594.2); short protein forms D1025H, D512H, D513H.
Identifiers: ClinVar variation 297797 (VCV000297797.19), dbSNP rs760874774, ClinGen allele CA553802.